The following is an entry in ClinVar:

ClinVar aggregate classification (germline): Uncertain significance. Review status: criteria provided, multiple submitters, no conflicts (2 of 4 stars). 2 submissions from 2 submitters: Uncertain significance (2). Last evaluated 2023-12-05.

Conditions:
Hereditary cancer-predisposing syndrome. Also called: Neoplastic Syndromes, Hereditary; Tumor predisposition; Hereditary neoplastic syndrome; Hereditary Cancer Syndrome. Identifiers: Orphanet 140162, MedGen C0027672, MeSH D009386, MONDO:0015356.
Familial cancer of breast. Also called: BREAST CANCER, FAMILIAL; Hereditary breast cancer; hereditary breast carcinoma. Identifiers: Orphanet 227535, MedGen C0346153, MONDO:0016419, OMIM 114480. Disease mechanism: loss of function.

Allele frequency attached by ClinVar (database versions not stated): gnomAD exomes below 0.00001.
gnomAD v4.1: 1 of 1,608,232 alleles (0.000062%); highest among the groups gnomAD compares: Non-Finnish European, 0.000085%; no homozygotes.

Submissions (2):

Color Diagnostics, LLC DBA Color Health
Classification: Uncertain significance for Hereditary cancer-predisposing syndrome. Last evaluated: 2023-12-05. Review status: criteria provided, single submitter. Criteria: ACMG Guidelines, 2015. Collection method: clinical testing. Allele origin: germline.
Comment: This missense variant replaces histidine with glutamine at codon 69 of the PALB2 protein. Computational prediction suggests that this variant may not impact protein structure and function (internally defined REVEL score threshold <= 0.5, PMID: 27666373). To our knowledge, functional studies have not been reported for this variant. This variant has not been reported in individuals affected with PALB2-related disorders in the literature. This variant has not been identified in the general population by the Genome Aggregation Database (gnomAD). The available evidence is insufficient to determine the role of this variant in disease conclusively. Therefore, this variant is classified as a Variant of Uncertain Significance.

Labcorp Genetics (formerly Invitae), Labcorp
Classification: Uncertain significance for Familial cancer of breast. Last evaluated: 2022-04-05. Review status: criteria provided, single submitter. Criteria: Invitae Variant Classification Sherloc (09022015). Collection method: clinical testing. Allele origin: germline.
Comment: This sequence change replaces histidine, which is basic and polar, with glutamine, which is neutral and polar, at codon 69 of the PALB2 protein (p.His69Gln). This variant is not present in population databases (gnomAD no frequency). This variant has not been reported in the literature in individuals affected with PALB2-related conditions. ClinVar contains an entry for this variant (Variation ID: 628559). Algorithms developed to predict the effect of missense changes on protein structure and function are either unavailable or do not agree on the potential impact of this missense change (SIFT: "Tolerated"; PolyPhen-2: "Possibly Damaging"; Align-GVGD: "Class C0"). In summary, the available evidence is currently insufficient to determine the role of this variant in disease. Therefore, it has been classified as a Variant of Uncertain Significance.

NM_024675.4(PALB2):c.207C>A (p.His69Gln)

Gene: PALB2 (partner and localizer of BRCA2; minus strand). Cytogenetic location: 16p12.2.
Variant type: single nucleotide variant.
Coding change: c.207C>A on transcript NM_024675.4 (MANE Select); coding-DNA position 207, C replaced by A.
Protein change: p.His69Gln; replaces histidine 69 with glutamine.
Molecular consequence: missense variant.
Genome position (GRCh38, 1-based): chr16:23,637,854, G>T on the plus strand (C>A on the coding strand, the complement: PALB2 is on the minus strand). VCF-style: chr16-23637854-G-T. GRCh37 (hg19) VCF-style: chr16-23649175-G-T.
Other names: short protein forms H69Q.
Identifiers: ClinVar variation 628559 (VCV000628559.16), dbSNP rs1567223897, ClinGen allele CA395139015.
Genomic context (GRCh38, chr16:23,637,854, plus strand): 5'-AAATATACCTGGGAAATGAATAATAAAGCAGGCATAAGTGAATGGTCTAGATTTACCTGA[G>T]TGTTTTAGCTGCGGTGAGAGATCCTGCTGAGACAAACAATCTTGTTCTTCTACTGTTTTC-3'
Protein context (NP_078951.2, residues 59-79): SQQDLSPQLK[His69Gln]SEPKNKICVY